The following is an entry in ClinVar:

NM_000455.5(STK11):c.678C>A (p.Asn226Lys)

Gene: STK11 (serine/threonine kinase 11; plus strand). Cytogenetic location: 19p13.3.
Variant type: single nucleotide variant.
Coding change: c.678C>A on transcript NM_000455.5 (MANE Select); coding-DNA position 678, C replaced by A.
Protein change: p.Asn226Lys; replaces asparagine 226 with lysine.
Molecular consequence: missense variant.
Genome position (GRCh38, 1-based): chr19:1,220,661, C>A. VCF-style: chr19-1220661-C-A. GRCh37 (hg19) VCF-style: chr19-1220660-C-A.
Other names: short protein forms N226K.
Identifiers: ClinVar variation 843985 (VCV000843985.11), dbSNP rs748832988, ClinGen allele CA402949748.
Genomic context (GRCh38, chr19:1,220,661, plus strand): 5'-GGACGACACCTGCCGGACCAGCCAGGGCTCCCCGGCTTTCCAGCCGCCCGAGATTGCCAA[C>A]GGCCTGGACACCTTCTCCGGCTTCAAGGTGGACATCTGGTCGGCTGGGGTCACCCTGTAA-3'
Protein context (NP_000446.1, residues 216-236): SPAFQPPEIA[Asn226Lys]GLDTFSGFKV

ClinVar aggregate classification (germline): Conflicting classifications of pathogenicity. Review status: criteria provided, conflicting classifications (1 of 4 stars). 2 submissions from 2 submitters: Uncertain significance (1); Likely benign (1). Last evaluated 2024-01-30.

Conditions:
Hereditary cancer-predisposing syndrome. Also called: Neoplastic Syndromes, Hereditary; Hereditary neoplastic syndrome; Tumor predisposition; Hereditary Cancer Syndrome. Identifiers: Orphanet 140162, MedGen C0027672, MeSH D009386, MONDO:0015356.
Peutz-Jeghers syndrome (PJS). Also called: POLYPOSIS, HAMARTOMATOUS INTESTINAL; POLYPS-AND-SPOTS SYNDROME; Peutz-Jeghers polyposis; Periorificial lentiginosis syndrome. Identifiers: Orphanet 2869, MedGen C0031269, MeSH D010580, MONDO:0008280, OMIM 175200.

Submissions (2):

Ambry Genetics
Classification: Likely benign for Hereditary cancer-predisposing syndrome. Last evaluated: 2024-01-30. Review status: criteria provided, single submitter. Criteria: Ambry Variant Classification Scheme 2023. Collection method: clinical testing. Allele origin: germline.

Labcorp Genetics (formerly Invitae), Labcorp
Classification: Uncertain significance for Peutz-Jeghers syndrome. Last evaluated: 2021-12-31. Review status: criteria provided, single submitter. Criteria: Invitae Variant Classification Sherloc (09022015). Collection method: clinical testing. Allele origin: germline.
Comment: This sequence change replaces asparagine, which is neutral and polar, with lysine, which is basic and polar, at codon 226 of the STK11 protein (p.Asn226Lys). In summary, the available evidence is currently insufficient to determine the role of this variant in disease. Therefore, it has been classified as a Variant of Uncertain Significance. Algorithms developed to predict the effect of missense changes on protein structure and function are either unavailable or do not agree on the potential impact of this missense change (SIFT: "Tolerated"; PolyPhen-2: "Probably Damaging"; Align-GVGD: "Class C0"). ClinVar contains an entry for this variant (Variation ID: 843985). This variant has not been reported in the literature in individuals affected with STK11-related conditions. This variant is not present in population databases (gnomAD no frequency).